The following is an entry in ClinVar:

ClinVar aggregate classification (germline): Uncertain significance (1 of 4 stars; one submission).

Conditions:
Dyskeratosis congenita. Identifiers: Orphanet 1775, MedGen C0265965, MONDO:0015780.

Submission:

Ambry Genetics
Classification: Uncertain significance for Dyskeratosis congenita. Last evaluated: 2024-03-09. Review status: criteria provided, single submitter. Criteria: Ambry Variant Classification Scheme 2023. Collection method: clinical testing. Allele origin: germline.
Comment: The p.R195S variant (also known as c.585G>T), located in coding exon 2 of the TERT gene, results from a G to T substitution at nucleotide position 585. The arginine at codon 195 is replaced by serine, an amino acid with dissimilar properties. This amino acid position is conserved. In addition, this alteration is predicted to be tolerated by in silico analysis. Based on the available evidence, the clinical significance of this alteration remains unclear.

NM_198253.3(TERT):c.585G>T (p.Arg195Ser)

Gene: TERT (telomerase reverse transcriptase; minus strand). Cytogenetic location: 5p15.33.
Variant type: single nucleotide variant.
Coding change: c.585G>T on transcript NM_198253.3 (MANE Select); coding-DNA position 585, G replaced by T.
Protein change: p.Arg195Ser; replaces arginine 195 with serine.
Molecular consequence: missense variant. On other transcripts: non-coding transcript variant (2).
Genome position (GRCh38, 1-based): chr5:1,294,301, C>A on the plus strand (G>T on the coding strand, the complement: TERT is on the minus strand). VCF-style: chr5-1294301-C-A. GRCh37 (hg19) VCF-style: chr5-1294416-C-A.
Other names: c.585G>T, p.Arg195Ser (NM_001193376.3, NM_003219.1); short protein forms R195S.
Identifiers: ClinVar variation 3238473 (VCV003238473.1), dbSNP rs2478424205.